The following is an entry in ClinVar:

NM_000548.5(TSC2):c.2361_2362dup (p.Met788fs)

Gene: TSC2 (TSC complex subunit 2; plus strand). Cytogenetic location: 16p13.3.
Variant type: Microsatellite.
Coding change: c.2361_2362dup on transcript NM_000548.5 (MANE Select); coding-DNA positions 2361 to 2362, 2 bases duplicated (GA; older notation c.2361_2362dupGA).
Protein change: p.Met788fs; shifts the reading frame from methionine 788.
Molecular consequence: frameshift variant. On other transcripts: non-coding transcript variant (5).
Genome position (GRCh38, 1-based): chr16:2,074,205-2,074,206, GA duplicated; duplicating any 2 consecutive bases within chr16:2,074,203-2,074,206 gives the same sequence; the c. name uses the placement nearest the transcript's 3' end. VCF-style (leftmost placement, unchanged base first): chr16-2074202-C-CGA. GRCh37 (hg19) VCF-style: chr16-2124203-C-CGA.
Other names: c.2361_2362dup, p.Met788fs (NM_001077183.3, NM_001114382.3, NM_001363528.2 and 6 more transcripts); c.2250_2251dup, p.Met751fs (NM_001318827.2, NM_001406670.1, NM_001406678.1); c.2214_2215dup, p.Met739fs (NM_001318829.2, NM_001406675.1, NM_001406676.1 and 1 more transcripts); c.1761_1762dup, p.Met588fs (NM_001318831.2, NM_001406680.1, NM_001406682.1 and 6 more transcripts); c.2394_2395dup, p.Met799fs (NM_001318832.2); c.2451_2452dup, p.Met818fs (NM_001406667.1, NM_001406668.1); c.2349_2350dup, p.Met784fs (NM_001406671.1, NM_001406673.1); c.2304_2305dup, p.Met769fs (NM_001406677.1); and 3 more; short protein forms M254fs, M340fs, M588fs, M634fs, M739fs, M751fs, M769fs, M784fs.
Identifiers: ClinVar variation 4682111 (VCV004682111.1).

ClinVar aggregate classification (germline): Pathogenic (1 of 4 stars; one submission).

Conditions:
Tuberous sclerosis syndrome (TSC). Also called: Tuberous Sclerosis Complex; Tuberous sclerosis. Identifiers: Orphanet 805, MedGen C0041341, MONDO:0001734.

Submission:

Cambridge Genomics Laboratory, East Genomic Laboratory Hub, NHS Genomic Medicine Service
Classification: Pathogenic for Tuberous sclerosis. Last evaluated: 2024-12-12. Review status: criteria provided, single submitter. Criteria: ACGS Best Practice Guidelines for Variant Classification in Rare Disease 2020. Collection method: clinical testing. Allele origin: germline. Affected: yes.
Comment: PVS1,PM2